The following is an entry in ClinVar:

NM_000245.4(MET):c.4097C>T (p.Pro1366Leu)

Gene: MET (MET proto-oncogene, receptor tyrosine kinase; plus strand). Cytogenetic location: 7q31.2.
Variant type: single nucleotide variant.
Coding change: c.4097C>T on transcript NM_000245.4 (MANE Select); coding-DNA position 4097, C replaced by T.
Protein change: p.Pro1366Leu; replaces proline 1366 with leucine.
Molecular consequence: missense variant.
Genome position (GRCh38, 1-based): chr7:116,796,048, C>T. VCF-style: chr7-116796048-C-T. GRCh37 (hg19) VCF-style: chr7-116436102-C-T.
Other names: c.4151C>T, p.Pro1384Leu (NM_001127500.3); c.2807C>T, p.Pro936Leu (NM_001324402.2); short protein forms P1366L, P1384L, P936L.
Identifiers: ClinVar variation 1684883 (VCV001684883.3), dbSNP rs778084120, ClinGen allele CA369118390.
Genomic context (GRCh38, chr7:116,796,048, plus strand): 5'-GGGAGCACTATGTCCATGTGAACGCTACTTATGTGAACGTAAAATGTGTCGCTCCGTATC[C>T]TTCTCTGTTGTCATCAGAAGATAACGCTGATGATGAGGTGGACACACGACCAGCCTCCTT-3'
Protein context (NP_000236.2, residues 1356-1376): YVNVKCVAPY[Pro1366Leu]SLLSSEDNAD

ClinVar aggregate classification (germline): Uncertain significance. Review status: criteria provided, multiple submitters, no conflicts (2 of 4 stars). 2 submissions from 2 submitters: Uncertain significance (2). Last evaluated 2022-07-10.

Conditions:
Hereditary cancer-predisposing syndrome. Also called: Hereditary neoplastic syndrome; Neoplastic Syndromes, Hereditary; Tumor predisposition; Hereditary Cancer Syndrome. Identifiers: Orphanet 140162, MedGen C0027672, MeSH D009386, MONDO:0015356.

Submissions (2):

Ambry Genetics
Classification: Uncertain significance for Hereditary cancer-predisposing syndrome. Last evaluated: 2022-07-10. Review status: criteria provided, single submitter. Criteria: Ambry Variant Classification Scheme 2023. Collection method: clinical testing. Allele origin: germline.
Comment: The p.P1384L variant (also known as c.4151C>T), located in coding exon 20 of the MET gene, results from a C to T substitution at nucleotide position 4151. The proline at codon 1384 is replaced by leucine, an amino acid with similar properties. This amino acid position is conserved. In addition, the in silico prediction for this alteration is inconclusive. Since supporting evidence is limited at this time, the clinical significance of this alteration remains unclear.

Mendelics
Classification: Uncertain significance. Last evaluated: 2022-05-04. Review status: criteria provided, single submitter. Criteria: Mendelics Assertion Criteria 2019. Collection method: clinical testing. Allele origin: germline.